The following is an entry in ClinVar:

NM_005883.3(APC2):c.2185G>C (p.Glu729Gln)

Gene: APC2 (APC regulator of Wnt signaling pathway 2; plus strand). Cytogenetic location: 19p13.3.
Variant type: single nucleotide variant.
Coding change: c.2185G>C on transcript NM_005883.3 (MANE Select); coding-DNA position 2185, G replaced by C.
Protein change: p.Glu729Gln; replaces glutamic acid 729 with glutamine.
Molecular consequence: missense variant.
Genome position (GRCh38, 1-based): chr19:1,465,486, G>C. VCF-style: chr19-1465486-G-C. GRCh37 (hg19) VCF-style: chr19-1465485-G-C.
Other names: c.2182G>C, p.Glu728Gln (NM_001351273.1); short protein forms E729Q, E728Q.
Identifiers: ClinVar variation 2110620 (VCV002110620.4), dbSNP rs1357880768, ClinGen allele CA403025236.

ClinVar aggregate classification (germline): Uncertain significance (1 of 4 stars; one submission).

Submission:

Labcorp Genetics (formerly Invitae), Labcorp
Classification: Uncertain significance. Last evaluated: 2023-12-07. Review status: criteria provided, single submitter. Criteria: Invitae Variant Classification Sherloc (09022015). Collection method: clinical testing. Allele origin: germline.
Comment: This sequence change replaces glutamic acid, which is acidic and polar, with glutamine, which is neutral and polar, at codon 729 of the APC2 protein (p.Glu729Gln). This variant is not present in population databases (gnomAD no frequency). This variant has not been reported in the literature in individuals affected with APC2-related conditions. ClinVar contains an entry for this variant (Variation ID: 2110620). Advanced modeling of protein sequence and biophysical properties (such as structural, functional, and spatial information, amino acid conservation, physicochemical variation, residue mobility, and thermodynamic stability) performed at Invitae indicates that this missense variant is expected to disrupt APC2 protein function with a positive predictive value of 80%. In summary, the available evidence is currently insufficient to determine the role of this variant in disease. Therefore, it has been classified as a Variant of Uncertain Significance.